The following continues an entry in ClinVar:

NM_000535.7(PMS2):c.2174+1G>A

Gene: PMS2. ClinVar aggregate classification (germline): Pathogenic. Pathogenic (1).

Submissions 11 to 22 of 22:

Myriad Genetics, Inc.
Classification: Likely pathogenic for Lynch syndrome 4. Last evaluated: 2023-04-05. Review status: criteria provided, single submitter. Criteria: Myriad Autosomal Dominant, Autosomal Recessive and X-Linked Classification Criteria (2023). Collection method: clinical testing. Allele origin: unknown. Not counted in ClinVar's aggregate classification.
Comment: This variant is considered likely pathogenic. This variant occurs within a consensus splice junction and is predicted to result in abnormal mRNA splicing of either an out-of-frame exon or an in-frame exon necessary for protein stability and/or normal function.

Quest Diagnostics Nichols Institute San Juan Capistrano
Classification: Pathogenic. Last evaluated: 2022-11-25. Review status: criteria provided, single submitter. Criteria: Quest Diagnostics criteria. Collection method: clinical testing. Allele origin: unknown. Not counted in ClinVar's aggregate classification.
Comment: This variant disrupts a canonical splice-donor site and interferes with normal PMS2 mRNA splicing. The frequency of this variant in the general population, 0.000016 (4/244414 chromosomes), is consistent with pathogenicity. In the published literature, the variant has been reported in individuals with colorectal cancer (PMID: 28135145 (2017), 27435373 (2016), 26681312 (2015)), breast cancer (PMID: 25186627 (2015)), ovarian cancer (PMID: 20205264 (2010)), and pancreatic cancer (PMID: 30067863 (2018)). The variant has also been reported in an individual with constitutional mismatch repair deficiency (CMMRD) syndrome (PMID: 21376568 (2011)). Splicing analysis studies have shown that this variant results in aberrant splicing (PMID: 26247049 (2015), 21376568 (2011)). Based on the available information, this variant is classified as pathogenic.

CHEO Genetics Diagnostic Laboratory, Children's Hospital of Eastern Ontario
Classification: Pathogenic for Breast and/or ovarian cancer. Last evaluated: 2022-03-21. Review status: criteria provided, single submitter. Criteria: ACMG Guidelines, 2015. Collection method: clinical testing. Allele origin: germline. Not counted in ClinVar's aggregate classification.

Laboratory for Molecular Medicine, Mass General Brigham Personalized Medicine
Classification: Pathogenic for Lynch syndrome. Last evaluated: 2019-04-19. Review status: criteria provided, single submitter. Criteria: LMM Criteria. Collection method: clinical testing. Allele origin: germline. Inheritance: Autosomal dominant inheritance. Observed: 1 variant allele. Not counted in ClinVar's aggregate classification.
Comment: The c.2174+1G>A variant in PMS2 has been reported in 1 heterozygous individual with PMS2-associated cancers, and in 1 compound heterozygous and 1 homozygous individual with constitutional mismatch repair deficiency (Senter 2008, Herkert 2011). It segregated in a compound heterozygous state with disease in one affect sibling (Herkert 2011). It has also has been identified in 1/30070 of South Asian chromosomes by gnomAD. This variant occurs in the invariant region (+/- 1,2) of the splice consensus sequence and is predicted to cause altered splicing leading to an abnormal or absent protein. In vitro functional studies provide some evidence that the c.2174+1G>A variant may impact the protein (Van Der Klift, 2015). In addition, it was classified as Pathogenic on April 16, 2014 by the ClinGen-approved InSiGHT Expert Panel (ClinVar SCV000108333.3). In summary, this variant meets criteria to be classified as pathogenic for Lynch syndrome in an autosomal dominant manner based. ACMG/AMP criteria applied: PM2, PS4_Supporting, PM3_Supporting, PVS1.

Women's Health and Genetics/Laboratory Corporation of America, LabCorp
Classification: Pathogenic for Lynch syndrome. Last evaluated: 2018-05-21. Review status: criteria provided, single submitter. Criteria: LabCorp Variant Classification Summary - May 2015. Collection method: clinical testing. Allele origin: germline. Not counted in ClinVar's aggregate classification.
Comment: Variant summary: PMS2 c.2174+1G>A is located in a canonical splice-site and is predicted to affect mRNA splicing resulting in a significantly altered protein due to either exon skipping, shortening, or inclusion of intronic material. Several computational tools predict a significant impact on normal splicing: Five predict the variant abolishes a 5' splicing donor site. At least one publication reports experimental evidence that this variant affects mRNA splicing. RNA analysis was performed to study the effect of c.2174+1G>A on mRNA splicing and to confirm that this mutation is located in PMS2 and not in its highly homologous pseudogene PMS2CL. The variant allele was found at a frequency of 1.7e-05 in 239230 control chromosomes. This frequency is not higher than expected for a pathogenic variant in PMS2 causing Lynch Syndrome (1.7e-05 vs 0.00011), allowing no conclusion about variant significance. c.2174+1G>A has been reported in the literature in multiple individuals affected with Lynch Syndrome and features of CMMRD. Specifically, the variant has been cited in multiple patients in both heterozygous, compound heterozygous (in trans with a second pathogenic PMS2 variant), and homozygous state, several of whom have loss of PMS2 via IHC. Carrying two MMR mutations in PMS2 in trans has been associated with constitutional mismatch repair-deficiency, which is characterized by colonic polyposis and hematologic, brain and gastrointestinal malignancies, as well as neurofribromas, which present at a young age and thus both mutations may be explaining the phenotype in the individuals reported. The variant alone was found in unaffected parents of probands, further supporting the idea that the variant is involved in constitutional mismatch repair-deficiency. These data indicate that the variant is very likely to be associated with disease. At least one publication reports experimental evidence evaluating an impact on protein function, but does not provide convincing conclusions about the variant effect. Five clinical diagnostic laboratories have submitted clinical-significance assessments for this variant to ClinVar after 2014 and all laboratories classified the variant as pathogenic. Based on the evidence outlined above, the variant was classified as pathogenic.

Juno Genomics, Hangzhou Juno Genomics, Inc
Classification: Pathogenic for Lynch syndrome 4. Review status: criteria provided, single submitter. Criteria: ACMG Guidelines, 2015. Collection method: clinical testing. Allele origin: germline. Not counted in ClinVar's aggregate classification.
Comment: Null variant in a gene where loss of function (LOF) is a known mechanism of disease.;Patient's phenotype or family history is highly specific for a disease with a single genetic etiology.;For recessive disorders, detected in trans with a pathogenic variant.

Counsyl
Classification: Pathogenic for Lynch syndrome 4. Last evaluated: 2016-06-01. Review status: no assertion criteria provided. Collection method: clinical testing. Allele origin: unknown. Not counted in ClinVar's aggregate classification.

Diagnostic Laboratory, Department of Genetics, University Medical Center Groningen
Classification: Pathogenic. Review status: no assertion criteria provided. Collection method: clinical testing. Allele origin: germline. Affected: yes. Study: VKGL Data-share Consensus. Not counted in ClinVar's aggregate classification.

Dr. Peter K. Rogan Lab, Western University
No classification provided (evidence only). Condition: Colon adenocarcinoma. Review status: no classification provided. Collection method: in vitro. Allele origin: not applicable. Functional consequence: skipped exon, retained intron. Not counted in ClinVar's aggregate classification.

Dr. Peter K. Rogan Lab, Western University
No classification provided (evidence only). Condition: Adrenocortical carcinoma, hereditary. Review status: no classification provided. Collection method: in vitro. Allele origin: not applicable. Functional consequence: skipped exon, retained intron. Not counted in ClinVar's aggregate classification.

Joint Genome Diagnostic Labs from Nijmegen and Maastricht, Radboudumc and MUMC+
Classification: Pathogenic. Review status: no assertion criteria provided. Collection method: clinical testing. Allele origin: germline. Affected: yes. Study: VKGL Data-share Consensus. Not counted in ClinVar's aggregate classification.

MutSpliceDB: a database of splice sites variants effects on splicing, NIH
No classification provided (evidence only). Review status: no classification provided. Collection method: in vitro. Allele origin: not applicable. Functional consequence: retained intron. Not counted in ClinVar's aggregate classification.

Literature cited by the submitters: PubMed 18602922 (cited by 6 submitters); PubMed 20205264 (cited by 6 submitters); PubMed 21376568 (cited by 7 submitters); PubMed 26247049 (cited by 6 submitters); PubMed 28135145 (cited by 4 submitters); PubMed 30067863 (cited by 3 submitters); PubMed 31992580 (cited by Ambry Genetics); PubMed 23012243 (cited by Labcorp Genetics (formerly Invitae), Labcorp and Quest Diagnostics Nichols Institute San Juan Capistrano); PubMed 25186627 (cited by 3 submitters); PubMed 26110232 (cited by 3 submitters); PubMed 26681312 (cited by 3 submitters); PubMed 10037723 (cited by Labcorp Genetics (formerly Invitae), Labcorp); PubMed 16338176 (cited by Labcorp Genetics (formerly Invitae), Labcorp); PubMed 20533529 (cited by Labcorp Genetics (formerly Invitae), Labcorp); PubMed 27435373 (cited by Quest Diagnostics Nichols Institute San Juan Capistrano and Women's Health and Genetics/Laboratory Corporation of America, LabCorp); PubMed 24362816 (cited by Quest Diagnostics Nichols Institute San Juan Capistrano); PubMed 25980754 (cited by Laboratory for Molecular Medicine, Mass General Brigham Personalized Medicine); PubMed 25525159 (cited by Laboratory for Molecular Medicine, Mass General Brigham Personalized Medicine and Counsyl).